The following is an entry in ClinVar:

NM_000170.3(GLDC):c.197G>C (p.Arg66Thr)

Gene: GLDC (glycine decarboxylase; minus strand). Cytogenetic location: 9p24.1.
Variant type: single nucleotide variant.
Coding change: c.197G>C on transcript NM_000170.3 (MANE Select); coding-DNA position 197, G replaced by C.
Protein change: p.Arg66Thr; replaces arginine 66 with threonine.
Molecular consequence: missense variant.
Genome position (GRCh38, 1-based): chr9:6,645,303, C>G on the plus strand (G>C on the coding strand, the complement: GLDC is on the minus strand). VCF-style: chr9-6645303-C-G. GRCh37 (hg19) VCF-style: chr9-6645303-C-G.
Other names: short protein forms R66T.
Identifiers: ClinVar variation 1715488 (VCV001715488.6), dbSNP rs765794334, ClinGen allele CA372886561.

ClinVar aggregate classification (germline): Uncertain significance (1 of 4 stars; one submission).

Conditions:
Glycine encephalopathy. Also called: Non-ketotic hyperglycinemia; Nonketotic hyperglycinemia. Identifiers: Orphanet 407, MedGen C0751748, MONDO:0011612, HP:0008288.

gnomAD v4.1: 1 of 1,599,254 alleles (0.000063%); highest among the groups gnomAD compares: South Asian, 0.0011%; no homozygotes.

Submission:

Labcorp Genetics (formerly Invitae), Labcorp
Classification: Uncertain significance for Glycine encephalopathy. Last evaluated: 2022-12-28. Review status: criteria provided, single submitter. Criteria: Invitae Variant Classification Sherloc (09022015). Collection method: clinical testing. Allele origin: germline.
Comment: In summary, the available evidence is currently insufficient to determine the role of this variant in disease. Therefore, it has been classified as a Variant of Uncertain Significance. Advanced modeling of protein sequence and biophysical properties (such as structural, functional, and spatial information, amino acid conservation, physicochemical variation, residue mobility, and thermodynamic stability) performed at Invitae indicates that this missense variant is expected to disrupt GLDC protein function. ClinVar contains an entry for this variant (Variation ID: 1715488). This missense change has been observed in individual(s) with clinical features of glycine encephalopathy (Invitae). In at least one individual the data is consistent with being in trans (on the opposite chromosome) from a pathogenic variant. This variant is present in population databases (no rsID available, gnomAD 0.004%). This sequence change replaces arginine, which is basic and polar, with threonine, which is neutral and polar, at codon 66 of the GLDC protein (p.Arg66Thr).